The following is an entry in ClinVar:

ClinVar aggregate classification (germline): Uncertain significance. Review status: criteria provided, multiple submitters, no conflicts (2 of 4 stars). 2 submissions from 2 submitters: Uncertain significance (2). Last evaluated 2022-10-24.

Conditions:
Combined immunodeficiency due to LRBA deficiency. Also called: Common variable immunodeficiency 8, with autoimmunity. Identifiers: Orphanet 445018, MedGen C3553512, MONDO:0013863, OMIM 614700.

Allele frequency attached by ClinVar (database versions not stated): gnomAD exomes 0.00001; ExAC 0.00002.
gnomAD v4.1: 18 of 1,610,668 alleles (0.0011%); highest among the groups gnomAD compares: South Asian, 0.0033%; no homozygotes.

Submissions (2):

Labcorp Genetics (formerly Invitae), Labcorp
Classification: Uncertain significance for Combined immunodeficiency due to LRBA deficiency. Last evaluated: 2022-10-24. Review status: criteria provided, single submitter. Criteria: Invitae Variant Classification Sherloc (09022015). Collection method: clinical testing. Allele origin: germline.
Comment: In summary, the available evidence is currently insufficient to determine the role of this variant in disease. Therefore, it has been classified as a Variant of Uncertain Significance. Advanced modeling of protein sequence and biophysical properties (such as structural, functional, and spatial information, amino acid conservation, physicochemical variation, residue mobility, and thermodynamic stability) performed at Invitae indicates that this missense variant is expected to disrupt LRBA protein function. This variant has not been reported in the literature in individuals affected with LRBA-related conditions. This variant is present in population databases (rs770469359, gnomAD 0.003%). This sequence change replaces arginine, which is basic and polar, with tryptophan, which is neutral and slightly polar, at codon 1514 of the LRBA protein (p.Arg1514Trp).

Blueprint Genetics
Classification: Uncertain significance. Last evaluated: 2021-04-28. Review status: criteria provided, single submitter. Criteria: ACMG Guidelines, 2015. Collection method: clinical testing. Allele origin: germline.

NM_001364905.1(LRBA):c.4540C>T (p.Arg1514Trp)

Gene: LRBA (LPS responsive beige-like anchor protein; minus strand). Cytogenetic location: 4q31.3.
Variant type: single nucleotide variant.
Coding change: c.4540C>T on transcript NM_001364905.1 (MANE Select); coding-DNA position 4540, C replaced by T.
Protein change: p.Arg1514Trp; replaces arginine 1514 with tryptophan.
Molecular consequence: missense variant.
Genome position (GRCh38, 1-based): chr4:150,844,129, G>A on the plus strand (C>T on the coding strand, the complement: LRBA is on the minus strand). VCF-style: chr4-150844129-G-A. GRCh37 (hg19) VCF-style: chr4-151765281-G-A.
Other names: c.4540C>T, p.Arg1514Trp (NM_001199282.3, NM_001367550.1, NM_006726.5); short protein forms R1514W.
Identifiers: ClinVar variation 2070963 (VCV002070963.5), dbSNP rs770469359, ClinGen allele CA3102731.